The following is an entry in ClinVar:

ClinVar aggregate classification (germline): Benign (1 of 4 stars; one submission).

Allele frequency attached by ClinVar (database versions not stated): gnomAD 0.07394 and 0.08740; TOPMed 0.08771; 1000 Genomes Project 30x 0.21471; 1000 Genomes Project 0.22823.
gnomAD v4.1: 13,232 of 151,618 alleles (8.7%); highest among the groups gnomAD compares: East Asian, 76%; 2,140 homozygotes.

Submission:

GeneDx
Classification: Benign. Last evaluated: 2018-06-14. Review status: criteria provided, single submitter. Criteria: GeneDx Variant Classification (06012015). Collection method: clinical testing. Allele origin: germline. Affected: yes.
Comment: This variant is considered likely benign or benign based on one or more of the following criteria: it is a conservative change, it occurs at a poorly conserved position in the protein, it is predicted to be benign by multiple in silico algorithms, and/or has population frequency not consistent with disease.

NM_001271.4(CHD2):c.5154-250G>A

Gene: CHD2 (chromodomain helicase DNA binding protein 2; plus strand). Cytogenetic location: 15q26.1.
Variant type: single nucleotide variant.
Coding change: c.5154-250G>A on transcript NM_001271.4 (MANE Select); 250 bases into the intron before coding-DNA position 5154, G replaced by A.
Molecular consequence: intron variant.
Genome position (GRCh38, 1-based): chr15:93,024,122, G>A. VCF-style: chr15-93024122-G-A. GRCh37 (hg19) VCF-style: chr15-93567352-G-A.
Identifiers: ClinVar variation 681613 (VCV000681613.1), dbSNP rs57742857, ClinGen allele CA15848586.